The following is an entry in ClinVar:

ClinVar aggregate classification (germline): Uncertain significance. Review status: criteria provided, multiple submitters, no conflicts (2 of 4 stars). 2 submissions from 2 submitters: Uncertain significance (2). Last evaluated 2023-12-24.

Conditions:
Hereditary nonpolyposis colorectal neoplasms. Identifiers: MedGen C0009405, MeSH D003123.
Hereditary cancer-predisposing syndrome. Also called: Neoplastic Syndromes, Hereditary; Tumor predisposition; Hereditary Cancer Syndrome; Hereditary neoplastic syndrome. Identifiers: Orphanet 140162, MedGen C0027672, MeSH D009386, MONDO:0015356.

Submissions (2):

Labcorp Genetics (formerly Invitae), Labcorp
Classification: Uncertain significance for Hereditary nonpolyposis colorectal neoplasms. Last evaluated: 2023-12-24. Review status: criteria provided, single submitter. Criteria: Invitae Variant Classification Sherloc (09022015). Collection method: clinical testing. Allele origin: germline.
Comment: This sequence change replaces serine, which is neutral and polar, with glycine, which is neutral and non-polar, at codon 285 of the MSH6 protein (p.Ser285Gly). This variant is not present in population databases (gnomAD no frequency). This variant has not been reported in the literature in individuals affected with MSH6-related conditions. ClinVar contains an entry for this variant (Variation ID: 1001544). Advanced modeling of protein sequence and biophysical properties (such as structural, functional, and spatial information, amino acid conservation, physicochemical variation, residue mobility, and thermodynamic stability) performed at Invitae indicates that this missense variant is not expected to disrupt MSH6 protein function with a negative predictive value of 95%. In summary, the available evidence is currently insufficient to determine the role of this variant in disease. Therefore, it has been classified as a Variant of Uncertain Significance.

Ambry Genetics
Classification: Uncertain significance for Hereditary cancer-predisposing syndrome. Last evaluated: 2023-02-26. Review status: criteria provided, single submitter. Criteria: Ambry Variant Classification Scheme 2023. Collection method: clinical testing. Allele origin: germline.
Comment: The p.S285G variant (also known as c.853A>G), located in coding exon 4 of the MSH6 gene, results from an A to G substitution at nucleotide position 853. The serine at codon 285 is replaced by glycine, an amino acid with similar properties. This amino acid position is conserved. In addition, the in silico prediction for this alteration is inconclusive. Since supporting evidence is limited at this time, the clinical significance of this alteration remains unclear.

NM_000179.3(MSH6):c.853A>G (p.Ser285Gly)

Gene: MSH6 (mutS homolog 6; plus strand). Cytogenetic location: 2p16.3.
Variant type: single nucleotide variant.
Coding change: c.853A>G on transcript NM_000179.3 (MANE Select); coding-DNA position 853, A replaced by G.
Protein change: p.Ser285Gly; replaces serine 285 with glycine.
Molecular consequence: missense variant. On other transcripts: 5 prime UTR variant (2).
Genome position (GRCh38, 1-based): chr2:47,798,836, A>G. VCF-style: chr2-47798836-A-G. GRCh37 (hg19) VCF-style: chr2-48025975-A-G.
Other names: c.463A>G, p.Ser155Gly (NM_001281492.2); c.-54A>G (NM_001281493.2, NM_001281494.2); c.853A>G (NM_000179.2); short protein forms S155G, S285G.
Identifiers: ClinVar variation 1001544 (VCV001001544.11), dbSNP rs876660204, ClinGen allele CA346740562.